The following is an entry in ClinVar:

NM_005359.6(SMAD4):c.1227A>G (p.Val409=)

Gene: SMAD4 (SMAD family member 4; plus strand). Cytogenetic location: 18q21.2.
Variant type: single nucleotide variant.
Coding change: c.1227A>G on transcript NM_005359.6 (MANE Select); coding-DNA position 1227, A replaced by G.
Protein change: p.Val409=; no amino-acid change (valine 409 retained).
Molecular consequence: synonymous variant.
Genome position (GRCh38, 1-based): chr18:51,067,106, A>G. VCF-style: chr18-51067106-A-G. GRCh37 (hg19) VCF-style: chr18-48593476-A-G.
Other names: c.1227A>G (NM_005359.5).
Identifiers: ClinVar variation 1142518 (VCV001142518.11), dbSNP rs2144452352, ClinGen allele CA503874249.

ClinVar aggregate classification (germline): Benign/Likely benign. Review status: criteria provided, multiple submitters, no conflicts (2 of 4 stars). 3 submissions from 3 submitters: Benign (1); Likely benign (2). Last evaluated 2025-09-01.

Conditions:
Juvenile polyposis syndrome (JPS). Identifiers: Orphanet 2929, MedGen C0345893, MONDO:0017380, OMIM 174900.
Juvenile polyposis/hereditary hemorrhagic telangiectasia syndrome (JPHT). Also called: JP/HHT SYNDROME; JUVENILE POLYPOSIS WITH HEREDITARY HEMORRHAGIC TELANGIECTASIA; POLYPOSIS, GENERALIZED JUVENILE, WITH PULMONARY ARTERIOVENOUS MALFORMATION; TELANGIECTASIA, HEREDITARY HEMORRHAGIC, WITH JUVENILE POLYPOSIS COLI; Juvenile Polyposis Syndrome / Hereditary Hemorrhagic Telangiectasia (JPS/HHT). Identifiers: Orphanet 2929, MedGen C1832942, MONDO:0008278, OMIM 175050.
Hereditary cancer-predisposing syndrome. Also called: Hereditary Cancer Syndrome; Neoplastic Syndromes, Hereditary; Hereditary neoplastic syndrome; Tumor predisposition. Identifiers: Orphanet 140162, MedGen C0027672, MeSH D009386, MONDO:0015356.
Familial thoracic aortic aneurysm and aortic dissection (TAAD). Also called: Thoracic aortic aneurysms and dissections. Identifiers: Orphanet 91387, MedGen C4707243, MONDO:0019625.

Allele frequency attached by ClinVar (database versions not stated): gnomAD exomes below 0.00001.
gnomAD v4.1: 1 of 1,611,920 alleles (0.000062%); highest among the groups gnomAD compares: African/African-American, 0.0013%; no homozygotes.

Submissions (3):

Ambry Genetics
Classification: Likely benign for Hereditary cancer-predisposing syndrome; Familial thoracic aortic aneurysm and aortic dissection. Last evaluated: 2025-09-01. Review status: criteria provided, single submitter. Criteria: Ambry Variant Classification Scheme 2023. Collection method: clinical testing. Allele origin: germline.

Labcorp Genetics (formerly Invitae), Labcorp
Classification: Likely benign for Juvenile polyposis syndrome. Last evaluated: 2025-04-10. Review status: criteria provided, single submitter. Criteria: Invitae Variant Classification Sherloc (09022015). Collection method: clinical testing. Allele origin: germline.

Myriad Genetics, Inc.
Classification: Benign for Juvenile polyposis/hereditary hemorrhagic telangiectasia syndrome. Last evaluated: 2025-03-21. Review status: criteria provided, single submitter. Criteria: Myriad Autosomal Dominant, Autosomal Recessive and X-Linked Classification Criteria (2023). Collection method: clinical testing. Allele origin: unknown.
Comment: This variant is considered benign. This variant is a silent/synonymous amino acid change and it is not expected to impact splicing.